The following is an entry in ClinVar:

ClinVar aggregate classification (germline): Uncertain significance (1 of 4 stars; one submission).

Submission:

GeneDx
Classification: Uncertain significance. Last evaluated: 2022-04-21. Review status: criteria provided, single submitter. Criteria: GeneDx Variant Classification Process June 2021. Collection method: clinical testing. Allele origin: germline. Affected: yes.
Comment: Not observed at significant frequency in large population cohorts (gnomAD); In silico analysis supports that this missense variant has a deleterious effect on protein structure/function; Has not been previously published as pathogenic or benign to our knowledge

NM_001009944.3(PKD1):c.2720A>C (p.His907Pro)

Gene: PKD1 (polycystin 1, transient receptor potential channel interacting; minus strand). Cytogenetic location: 16p13.3.
Variant type: single nucleotide variant.
Coding change: c.2720A>C on transcript NM_001009944.3 (MANE Select); coding-DNA position 2720, A replaced by C.
Protein change: p.His907Pro; replaces histidine 907 with proline.
Molecular consequence: missense variant.
Genome position (GRCh38, 1-based): chr16:2,114,303, T>G on the plus strand (A>C on the coding strand, the complement: PKD1 is on the minus strand). VCF-style: chr16-2114303-T-G. GRCh37 (hg19) VCF-style: chr16-2164304-T-G.
Other names: c.2720A>C, p.His907Pro (NM_000296.4); short protein forms H907P.
Identifiers: ClinVar variation 1712135 (VCV001712135.2), dbSNP rs762605679, ClinGen allele CA394386977.